The following is an entry in ClinVar:

ClinVar aggregate classification (germline): Likely pathogenic (1 of 4 stars; one submission).

Submission:

Labcorp Genetics (formerly Invitae), Labcorp
Classification: Likely pathogenic. Last evaluated: 2023-12-24. Review status: criteria provided, single submitter. Criteria: Invitae Variant Classification Sherloc (09022015). Collection method: clinical testing. Allele origin: germline.
Comment: This sequence change affects a donor splice site in intron 6 of the DDR2 gene. It is expected to disrupt RNA splicing. Variants that disrupt the donor or acceptor splice site typically lead to a loss of protein function (PMID: 16199547), and loss-of-function variants in DDR2 are known to be pathogenic (PMID: 11375938, 29884795). This variant is not present in population databases (gnomAD no frequency). This variant has not been reported in the literature in individuals affected with DDR2-related conditions. Algorithms developed to predict the effect of sequence changes on RNA splicing suggest that this variant may disrupt the consensus splice site. In summary, the currently available evidence indicates that the variant is pathogenic, but additional data are needed to prove that conclusively. Therefore, this variant has been classified as Likely Pathogenic.

Literature cited by the submitters: PubMed 16199547; PubMed 11375938; PubMed 29884795.

NM_006182.4(DDR2):c.565+1G>A

Gene: DDR2 (discoidin domain receptor tyrosine kinase 2; plus strand). Cytogenetic location: 1q23.3.
Variant type: single nucleotide variant.
Coding change: c.565+1G>A on transcript NM_006182.4 (MANE Select); the canonical splice donor site of the intron after coding-DNA position 565, G replaced by A.
Molecular consequence: splice donor variant.
Genome position (GRCh38, 1-based): chr1:162,755,304, G>A. VCF-style: chr1-162755304-G-A. GRCh37 (hg19) VCF-style: chr1-162725094-G-A.
Other names: c.565+1G>A (NM_001354983.2, NM_001354982.2, NM_001014796.3).
Identifiers: ClinVar variation 2705160 (VCV002705160.3), dbSNP rs2526811497, ClinGen allele CA343406460.